The following is an entry in ClinVar:

NM_001184.4(ATR):c.1099G>C (p.Val367Leu)

Gene: ATR (ATR serine/threonine kinase; minus strand). Cytogenetic location: 3q23.
Variant type: single nucleotide variant.
Coding change: c.1099G>C on transcript NM_001184.4 (MANE Select); coding-DNA position 1099, G replaced by C.
Protein change: p.Val367Leu; replaces valine 367 with leucine.
Molecular consequence: missense variant.
Genome position (GRCh38, 1-based): chr3:142,562,303, C>G on the plus strand (G>C on the coding strand, the complement: ATR is on the minus strand). VCF-style: chr3-142562303-C-G. GRCh37 (hg19) VCF-style: chr3-142281145-C-G.
Other names: c.1099G>C, p.Val367Leu (NM_001354579.2); short protein forms V367L.
Identifiers: ClinVar variation 3461386 (VCV003461386.1).

ClinVar aggregate classification (germline): Uncertain significance (1 of 4 stars; one submission).

Conditions:
Inborn genetic diseases. Identifiers: MedGen C0950123, MeSH D030342.

Submission:

Ambry Genetics
Classification: Uncertain significance for Inborn genetic diseases. Last evaluated: 2024-09-12. Review status: criteria provided, single submitter. Criteria: Ambry Variant Classification Scheme 2023. Collection method: clinical testing. Allele origin: germline.
Comment: The p.V367L variant (also known as c.1099G>C), located in coding exon 4 of the ATR gene, results from a G to C substitution at nucleotide position 1099. The valine at codon 367 is replaced by leucine, an amino acid with highly similar properties. This amino acid position is conserved. In addition, this alteration is predicted to be tolerated by in silico analysis. Based on the available evidence, the clinical significance of this variant remains unclear.